The following is an entry in ClinVar:

NM_001277115.2(DNAH11):c.2475_2476del (p.His825fs)

Gene: DNAH11 (dynein axonemal heavy chain 11; plus strand). Cytogenetic location: 7p15.3.
Variant type: Microsatellite.
Coding change: c.2475_2476del on transcript NM_001277115.2 (MANE Select); coding-DNA positions 2475 to 2476, 2 bases deleted (CA; older notation c.2475_2476delCA).
Protein change: p.His825fs; shifts the reading frame from histidine 825.
Molecular consequence: frameshift variant.
Genome position (GRCh38, 1-based): chr7:21,591,385-21,591,386, CA deleted; deleting any 2 consecutive bases within chr7:21,591,383-21,591,386 gives the same sequence; the c. name uses the placement nearest the transcript's 3' end. VCF-style (leftmost placement, unchanged base first): chr7-21591382-GCA-G. GRCh37 (hg19) VCF-style: chr7-21631000-GCA-G.
Other names: short protein forms H825fs.
Identifiers: ClinVar variation 3646747 (VCV003646747.2).

ClinVar aggregate classification (germline): Pathogenic (1 of 4 stars; one submission).

Conditions:
Primary ciliary dyskinesia. Also called: Ciliary dyskinesia. Identifiers: Orphanet 244, MedGen C0008780, MONDO:0016575, HP:0012265.

Submission:

Labcorp Genetics (formerly Invitae), Labcorp
Classification: Pathogenic for Primary ciliary dyskinesia. Last evaluated: 2024-03-21. Review status: criteria provided, single submitter. Criteria: Invitae Variant Classification Sherloc (09022015). Collection method: clinical testing. Allele origin: germline.
Comment: This sequence change creates a premature translational stop signal (p.His825Glnfs*3) in the DNAH11 gene. It is expected to result in an absent or disrupted protein product. Loss-of-function variants in DNAH11 are known to be pathogenic (PMID: 18022865, 20513915, 22184204). This variant is not present in population databases (gnomAD no frequency). This variant has not been reported in the literature in individuals affected with DNAH11-related conditions. For these reasons, this variant has been classified as Pathogenic.

Literature cited by the submitters: PubMed 18022865; PubMed 20513915; PubMed 22184204.